The following is an entry in ClinVar:

ClinVar aggregate classification (germline): Pathogenic (1 of 4 stars; one submission).

Conditions:
Gorlin syndrome. Also called: Basal cell nevus syndrome; Nevoid Basal Cell Carcinoma Syndrome. Identifiers: Orphanet 377, MedGen C0004779, MONDO:0007187.

Submission:

Labcorp Genetics (formerly Invitae), Labcorp
Classification: Pathogenic for Gorlin syndrome. Last evaluated: 2018-08-13. Review status: criteria provided, single submitter. Criteria: Invitae Variant Classification Sherloc (09022015). Collection method: clinical testing. Allele origin: germline.
Comment: For these reasons, this variant has been classified as Pathogenic. Loss-of-function variants in PTCH1 are known to be pathogenic (PMID: 16301862, 16419085). This variant has not been reported in the literature in individuals with PTCH1-related disease. This variant is not present in population databases (ExAC no frequency). This sequence change creates a premature translational stop signal (p.Thr1097Hisfs*48) in the PTCH1 gene. It is expected to result in an absent or disrupted protein product.

Literature cited by the submitters: PubMed 16301862; PubMed 16419085.

NM_000264.5(PTCH1):c.3287dup (p.Thr1097fs)

Gene: PTCH1 (patched 1; minus strand). Cytogenetic location: 9q22.32.
Variant type: Duplication.
Coding change: c.3287dup on transcript NM_000264.5 (MANE Select); coding-DNA position 3287, one base duplicated (T; older notation c.3287dupT).
Protein change: p.Thr1097fs; shifts the reading frame from threonine 1097.
Molecular consequence: frameshift variant. On other transcripts: non-coding transcript variant (1).
Genome position (GRCh38, 1-based): chr9:95,456,295, A duplicated on the plus strand (T on the coding strand, the reverse complement: PTCH1 is on the minus strand); the first of 2 consecutive A bases (chr9:95,456,295-95,456,296); duplicating either gives the same sequence. VCF-style (leftmost placement, unchanged base first): chr9-95456294-G-GA. GRCh37 (hg19) VCF-style: chr9-98218576-G-GA.
Other names: c.3287dupT (NM_000264.3); c.3089dup, p.Thr1031fs (NM_001083602.3); c.3284dup, p.Thr1096fs (NM_001083603.3); c.2834dup, p.Thr946fs (NM_001083604.3, NM_001083605.3, NM_001083606.3 and 1 more transcripts); c.3131dup, p.Thr1045fs (NM_001354918.2); short protein forms T1031fs, T1096fs, T1097fs, T1045fs, T946fs.
Identifiers: ClinVar variation 643365 (VCV000643365.7), dbSNP rs1588535416, ClinGen allele CA915947087.